The following is an entry in ClinVar:

NM_015662.3(IFT172):c.3628G>T (p.Ala1210Ser)

Genes: IFT172 (intraflagellar transport 172; minus strand), LOC126806173 (BRD4-independent group 4 enhancer GRCh37_chr2:27676057-27677256; plus strand). Cytogenetic location: 2p23.3.
Variant type: single nucleotide variant.
Coding change: c.3628G>T on transcript NM_015662.3 (MANE Select); coding-DNA position 3628, G replaced by T.
Protein change: p.Ala1210Ser; replaces alanine 1210 with serine.
Molecular consequence: missense variant.
Genome position (GRCh38, 1-based): chr2:27,454,065, C>A on the plus strand (G>T on the coding strand, the complement: IFT172 is on the minus strand). VCF-style: chr2-27454065-C-A. GRCh37 (hg19) VCF-style: chr2-27676932-C-A.
Other names: c.3562G>T, p.Ala1188Ser (NM_001410739.1); short protein forms A1188S, A1210S.
Identifiers: ClinVar variation 4992452 (VCV004992452.1).

ClinVar aggregate classification (germline): Uncertain significance (1 of 4 stars; one submission).

Conditions:
IFT172-related disorder. Also called: IFT172-related condition; IFT172-related disorders.

Submission:

PreventionGenetics, part of Exact Sciences
Classification: Uncertain significance for IFT172-related condition. Last evaluated: 2026-01-02. Review status: criteria provided, single submitter. Criteria: ACMG Guidelines, 2015. Collection method: clinical testing. Allele origin: germline.
Comment: The IFT172 c.3628G>T variant is predicted to result in the amino acid substitution p.Ala1210Ser. To our knowledge, this variant has not been reported in the literature or in a large population database (gnomAD), indicating this variant is rare. At this time, the clinical significance of this variant is uncertain due to the absence of conclusive functional and genetic evidence.